The following is an entry in ClinVar:

NM_001458.5(FLNC):c.1541A>C (p.Lys514Thr)

Gene: FLNC (filamin C; plus strand). Cytogenetic location: 7q32.1.
Variant type: single nucleotide variant.
Coding change: c.1541A>C on transcript NM_001458.5 (MANE Select); coding-DNA position 1541, A replaced by C.
Protein change: p.Lys514Thr; replaces lysine 514 with threonine.
Molecular consequence: missense variant.
Genome position (GRCh38, 1-based): chr7:128,840,152, A>C. VCF-style: chr7-128840152-A-C. GRCh37 (hg19) VCF-style: chr7-128480206-A-C.
Other names: c.1541A>C, p.Lys514Thr (NM_001127487.2); short protein forms K514T.
Identifiers: ClinVar variation 539426 (VCV000539426.12), dbSNP rs375881193, ClinGen allele CA4474372.
Genomic context (GRCh38, chr7:128,840,152, plus strand): 5'-TGGCTGACTTCAAGGTGTTTACCAAGGGTGCCGGCAGCGGGGAGCTCAAGGTCACGGTCA[A>C]GGGGCCAAGTGAGTGCCAGAGCCCAGGGTCGTGAGGGTGGGGCTGGGGGATCATAAGGGA-3'
Protein context (NP_001449.3, residues 504-524): AGSGELKVTV[Lys514Thr]GPKGTEEPVK

ClinVar aggregate classification (germline): Uncertain significance. Review status: criteria provided, multiple submitters, no conflicts (2 of 4 stars). 2 submissions from 2 submitters: Uncertain significance (2). Last evaluated 2023-11-28.

Conditions:
Distal myopathy with posterior leg and anterior hand involvement. Also called: WILLIAMS DISTAL MYOPATHY. Identifiers: Orphanet 63273, MedGen C3279722, MONDO:0013550, OMIM 614065.
Myofibrillar myopathy 5. Also called: Filaminopathy (type); FILAMINOPATHY, AUTOSOMAL DOMINANT. Identifiers: Orphanet 171445, MedGen C1836050, MONDO:0012289, OMIM 609524.
Hypertrophic cardiomyopathy 26. Also called: Cardiomyopathy, familial hypertrophic, 26. Identifiers: Orphanet 75249, MedGen C4310749, MONDO:0014883, OMIM 617047.

Allele frequency attached by ClinVar (database versions not stated): gnomAD exomes below 0.00001; ExAC 0.00001; ESP Exome Variant Server 0.00008.
gnomAD v4.1: 5 of 1,613,858 alleles (0.00031%); highest among the groups gnomAD compares: Non-Finnish European, 0.00042%; no homozygotes.

Submissions (2):

Labcorp Genetics (formerly Invitae), Labcorp
Classification: Uncertain significance for Distal myopathy with posterior leg and anterior hand involvement; Myofibrillar myopathy 5; Hypertrophic cardiomyopathy 26. Last evaluated: 2023-11-28. Review status: criteria provided, single submitter. Criteria: Invitae Variant Classification Sherloc (09022015). Collection method: clinical testing. Allele origin: germline.
Comment: This sequence change replaces lysine, which is basic and polar, with threonine, which is neutral and polar, at codon 514 of the FLNC protein (p.Lys514Thr). This variant is present in population databases (rs375881193, gnomAD 0.0009%). This missense change has been observed in individual(s) with clinical features of FLNC-related conditions (Invitae). ClinVar contains an entry for this variant (Variation ID: 539426). Advanced modeling of protein sequence and biophysical properties (such as structural, functional, and spatial information, amino acid conservation, physicochemical variation, residue mobility, and thermodynamic stability) has been performed at Invitae for this missense variant, however the output from this modeling did not meet the statistical confidence thresholds required to predict the impact of this variant on FLNC protein function. In summary, the available evidence is currently insufficient to determine the role of this variant in disease. Therefore, it has been classified as a Variant of Uncertain Significance.

Fulgent Genetics
Classification: Uncertain significance for Myofibrillar myopathy 5; Distal myopathy with posterior leg and anterior hand involvement; Hypertrophic cardiomyopathy 26. Last evaluated: 2021-09-28. Review status: criteria provided, single submitter. Criteria: ACMG Guidelines, 2015. Collection method: clinical testing. Allele origin: unknown.